The following is an entry in ClinVar:

ClinVar aggregate classification (germline): Uncertain significance. Review status: criteria provided, multiple submitters, no conflicts (2 of 4 stars). 2 submissions from 2 submitters: Uncertain significance (2). Last evaluated 2026-06-08.

Submissions (2):

Women's Health and Genetics/Laboratory Corporation of America, LabCorp
Classification: Uncertain significance. Last evaluated: 2026-06-08. Review status: criteria provided, single submitter. Criteria: LabCorp Variant Classification Summary - May 2015. Collection method: clinical testing. Allele origin: germline.
Comment: Variant summary: ZNF469 c.11801dupA (p.Leu3935AlafsX55) causes a frameshift which results in an extension of the protein. The variant was absent in 153626 control chromosomes. The available data on variant occurrences in the general population are insufficient to allow any conclusion about variant significance. To our knowledge, no occurrence of c.11801dupA in individuals affected with ZNF469-related conditions and no experimental evidence demonstrating its impact on protein function have been reported. ClinVar contains an entry for this variant (Variation ID: 2430849). Based on the evidence outlined above, the variant was classified as uncertain significance.

GeneDx
Classification: Uncertain significance. Last evaluated: 2022-08-24. Review status: criteria provided, single submitter. Criteria: GeneDx Variant Classification Process June 2021. Collection method: clinical testing. Allele origin: germline. Affected: yes.
Comment: Not observed at significant frequency in large population cohorts (gnomAD); Frameshift variant predicted to result in protein length extension as the last 19 amino acids are replaced with 54 different amino acids, although loss-of-function variants have not been reported downstream of this position in the protein; Has not been previously published as pathogenic or benign to our knowledge

NM_001367624.2(ZNF469):c.11801dup (p.Leu3935fs)

Gene: ZNF469 (zinc finger protein 469; plus strand). Cytogenetic location: 16q24.2.
Variant type: Duplication.
Coding change: c.11801dup on transcript NM_001367624.2 (MANE Select); coding-DNA position 11801, one base duplicated (A; older notation c.11801dupA).
Protein change: p.Leu3935fs; shifts the reading frame from leucine 3935.
Molecular consequence: frameshift variant.
Genome position (GRCh38, 1-based): chr16:88,439,271, A duplicated. VCF-style (leftmost placement, unchanged base first): chr16-88439270-C-CA. GRCh37 (hg19) VCF-style: chr16-88505678-C-CA.
Other names: NM_001127464.1:c.11717dup; c.11801dupA (NM_001367624.2); short protein forms L3935fs.
Identifiers: ClinVar variation 2430849 (VCV002430849.2), dbSNP rs2507610147, ClinGen allele CA2580092244.